The following is an entry in ClinVar:

ClinVar aggregate classification (germline): Benign/Likely benign. Review status: criteria provided, multiple submitters, no conflicts (2 of 4 stars). 5 submissions from 5 submitters: Benign (1); Likely benign (3). 1 of the submissions does not count toward it. Last evaluated 2025-09-03.

Conditions:
Oculomaxillofacial dysostosis (OBLFC1). Also called: OCULOMAXILLOFACIAL DYSPLASIA WITH OBLIQUE FACIAL CLEFTS. Identifiers: Orphanet 141258, Orphanet 1794, MedGen C1838348, MONDO:0015824, OMIM 600251.
Teebi hypertelorism syndrome 1. Identifiers: Orphanet 1519, MedGen CN306405, MONDO:0800025, OMIM 145420.
SPECC1L-related disorder. Also called: SPECC1L-related condition.

Allele frequency attached by ClinVar (database versions not stated): gnomAD exomes 0.00014 and 0.00033; ExAC 0.00051; 1000 Genomes Project 0.00060; 1000 Genomes Project 30x 0.00062; gnomAD 0.00125 and 0.00133; TOPMed 0.00138; ESP Exome Variant Server 0.00154.
gnomAD v4.1: 415 of 1,611,588 alleles (0.026%); highest among the groups gnomAD compares: African/African-American, 0.37%; no homozygotes.

Submissions (5):

Labcorp Genetics (formerly Invitae), Labcorp
Classification: Benign. Last evaluated: 2025-09-03. Review status: criteria provided, single submitter. Criteria: Invitae Variant Classification Sherloc (09022015). Collection method: clinical testing. Allele origin: germline.

Blueprint Genetics
Classification: Likely benign. Last evaluated: 2024-11-14. Review status: criteria provided, single submitter. Criteria: ACMG Guidelines, 2015. Collection method: clinical testing. Allele origin: germline.

CeGaT Center for Human Genetics Tuebingen
Classification: Likely benign. Last evaluated: 2023-11-01. Review status: criteria provided, single submitter. Criteria: CeGaT Center For Human Genetics Tuebingen Variant Classification Criteria Version 2. Collection method: clinical testing. Allele origin: germline. Affected: yes. Observed: 1 variant allele.
Comment: SPECC1L: BS1

Fulgent Genetics
Classification: Likely benign for Teebi hypertelorism syndrome 1; Oculomaxillofacial dysostosis. Last evaluated: 2021-12-15. Review status: criteria provided, single submitter. Criteria: ACMG Guidelines, 2015. Collection method: clinical testing. Allele origin: unknown.

PreventionGenetics, part of Exact Sciences
Classification: Likely benign for SPECC1L-related condition. Last evaluated: 2022-03-07. Review status: no assertion criteria provided. Collection method: clinical testing. Allele origin: germline. Not counted in ClinVar's aggregate classification.
Comment: This variant is classified as likely benign based on ACMG/AMP sequence variant interpretation guidelines (Richards et al. 2015 PMID: 25741868, with internal and published modifications).

NM_015330.6(SPECC1L):c.2149A>G (p.Thr717Ala)

Genes: SPECC1L (sperm antigen with calponin homology and coiled-coil domains 1 like; plus strand), SPECC1L-ADORA2A (SPECC1L-ADORA2A readthrough (NMD candidate); plus strand). Cytogenetic location: 22q11.23.
Variant type: single nucleotide variant.
Coding change: c.2149A>G on transcript NM_015330.6 (MANE Select); coding-DNA position 2149, A replaced by G.
Protein change: p.Thr717Ala; replaces threonine 717 with alanine.
Molecular consequence: missense variant. On other transcripts: non-coding transcript variant (1).
Genome position (GRCh38, 1-based): chr22:24,328,848, A>G. VCF-style: chr22-24328848-A-G. GRCh37 (hg19) VCF-style: chr22-24724816-A-G.
Other names: c.2149A>G, p.Thr717Ala (NM_001145468.4, NM_001254732.3); short protein forms T717A.
Identifiers: ClinVar variation 708645 (VCV000708645.35), dbSNP rs6004132, ClinGen allele CA10152246.